The following is an entry in ClinVar:

NM_000316.3(PTH1R):c.1160C>T (p.Thr387Ile)

Gene: PTH1R (parathyroid hormone 1 receptor; plus strand). Cytogenetic location: 3p21.31.
Variant type: single nucleotide variant.
Coding change: c.1160C>T on transcript NM_000316.3 (MANE Select); coding-DNA position 1160, C replaced by T.
Protein change: p.Thr387Ile; replaces threonine 387 with isoleucine.
Molecular consequence: missense variant.
Genome position (GRCh38, 1-based): chr3:46,901,809, C>T. VCF-style: chr3-46901809-C-T. GRCh37 (hg19) VCF-style: chr3-46943299-C-T.
Other names: c.1160C>T, p.Thr387Ile (NM_001184744.1); short protein forms T387I.
Identifiers: ClinVar variation 3021910 (VCV003021910.3), dbSNP rs1426137186, ClinGen allele CA352502517.

ClinVar aggregate classification (germline): Uncertain significance (1 of 4 stars; one submission).

Allele frequency attached by ClinVar (database versions not stated): TOPMed below 0.00001; gnomAD 0.00001; gnomAD exomes 0.00001.
gnomAD v4.1: 4 of 1,614,016 alleles (0.00025%); highest among the groups gnomAD compares: Non-Finnish European, 0.00034%; no homozygotes.

Submission:

Labcorp Genetics (formerly Invitae), Labcorp
Classification: Uncertain significance. Last evaluated: 2023-09-04. Review status: criteria provided, single submitter. Criteria: Invitae Variant Classification Sherloc (09022015). Collection method: clinical testing. Allele origin: germline.
Comment: This sequence change replaces threonine, which is neutral and polar, with isoleucine, which is neutral and non-polar, at codon 387 of the PTH1R protein (p.Thr387Ile). In summary, the available evidence is currently insufficient to determine the role of this variant in disease. Therefore, it has been classified as a Variant of Uncertain Significance. Advanced modeling of protein sequence and biophysical properties (such as structural, functional, and spatial information, amino acid conservation, physicochemical variation, residue mobility, and thermodynamic stability) performed at Invitae indicates that this missense variant is not expected to disrupt PTH1R protein function. This variant has not been reported in the literature in individuals affected with PTH1R-related conditions. This variant is present in population databases (no rsID available, gnomAD 0.0009%).